The following is an entry in ClinVar:

ClinVar aggregate classification (germline): Uncertain significance (1 of 4 stars; one submission).

Conditions:
Hereditary cancer-predisposing syndrome. Also called: Hereditary Cancer Syndrome; Hereditary neoplastic syndrome; Neoplastic Syndromes, Hereditary; Tumor predisposition. Identifiers: Orphanet 140162, MedGen C0027672, MeSH D009386, MONDO:0015356.

gnomAD v4.1: 1 of 1,614,134 alleles (0.000062%); highest among the groups gnomAD compares: Non-Finnish European, 0.000085%; no homozygotes.

Submission:

Ambry Genetics
Classification: Uncertain significance for Hereditary cancer-predisposing syndrome. Last evaluated: 2025-07-22. Review status: criteria provided, single submitter. Criteria: Ambry Variant Classification Scheme 2023. Collection method: clinical testing. Allele origin: germline.
Comment: The p.R268L variant (also known as c.803G>T), located in coding exon 2 of the HOXB13 gene, results from a G to T substitution at nucleotide position 803. The arginine at codon 268 is replaced by leucine, an amino acid with dissimilar properties. This amino acid position is highly conserved in available vertebrate species. In addition, this alteration is predicted to be deleterious by in silico analysis. Based on the available evidence, the clinical significance of this variant remains unclear.

NM_006361.6(HOXB13):c.803G>T (p.Arg268Leu)

Gene: HOXB13 (homeobox B13; minus strand). Cytogenetic location: 17q21.32.
Variant type: single nucleotide variant.
Coding change: c.803G>T on transcript NM_006361.6 (MANE Select); coding-DNA position 803, G replaced by T.
Protein change: p.Arg268Leu; replaces arginine 268 with leucine.
Molecular consequence: missense variant.
Genome position (GRCh38, 1-based): chr17:48,726,842, C>A on the plus strand (G>T on the coding strand, the complement: HOXB13 is on the minus strand). VCF-style: chr17-48726842-C-A. GRCh37 (hg19) VCF-style: chr17-46804204-C-A.
Other names: short protein forms R268L.
Identifiers: ClinVar variation 4271770 (VCV004271770.1).